The following is an entry in ClinVar:

Conditions:
Breast-ovarian cancer, familial, susceptibility to, 1 (BROVCA1). Also called: BRCA1 Hereditary Breast and Ovarian Cancer; OVARIAN CANCER, SUSCEPTIBILITY TO. Identifiers: Orphanet 145, MedGen C2676676, MONDO:0011450, OMIM 604370. Disease mechanism: loss of function.

Submission:

Brotman Baty Institute, University of Washington
No classification provided (evidence only). Condition: Breast-ovarian cancer, familial 1. Review status: no classification provided. Collection method: in vitro. Allele origin: not applicable. Functional consequence: functionally_normal.
ClinVar note: "not provided" was previously submitted as the classification for the variant. However, the classification appeared to be based only on an observation of functional data so it was converted to no classification on 2025-07-30.

NM_007294.4(BRCA1):c.5167A>T (p.Ile1723Phe)

Gene: BRCA1 (BRCA1 DNA repair associated; minus strand). Cytogenetic location: 17q21.31.
Variant type: single nucleotide variant.
Coding change: c.5167A>T on transcript NM_007294.4 (MANE Select); coding-DNA position 5167, A replaced by T.
Protein change: p.Ile1723Phe; replaces isoleucine 1723 with phenylalanine.
Molecular consequence: missense variant. On other transcripts: non-coding transcript variant (1).
Genome position (GRCh38, 1-based): chr17:43,063,359, T>A on the plus strand (A>T on the coding strand, the complement: BRCA1 is on the minus strand). VCF-style: chr17-43063359-T-A. GRCh37 (hg19) VCF-style: chr17-41215376-T-A.
Other names: c.1732A>T, p.Ile578Phe (NM_001408434.1, NM_001408435.1, NM_001408436.1 and 10 more transcripts); c.1729A>T, p.Ile577Phe (NM_001408447.1, NM_001408448.1, NM_001408450.1 and 2 more transcripts); c.1723A>T, p.Ile575Phe (NM_001408451.1); c.1717A>T, p.Ile573Phe (NM_001408452.1, NM_001408453.1, NM_001408454.1 and 3 more transcripts); c.1714A>T, p.Ile572Phe (NM_001408467.1, NM_001408458.1, NM_001408459.1 and 7 more transcripts); c.1711A>T, p.Ile571Phe (NM_001408468.1, NM_001408469.1, NM_001408470.1); c.1855A>T, p.Ile619Phe (NM_001408472.1, NM_007298.4, NM_007299.4 and 13 more transcripts); c.1852A>T, p.Ile618Phe (NM_001408473.1, NM_001408392.1, NM_001408396.1 and 8 more transcripts); and 72 more; short protein forms I1723F, I1676F, I619F, I1744F, I1569F, I1610F, I1611F, I1634F.
Identifiers: ClinVar variation 865079 (VCV000865079.3), dbSNP rs1426821558, ClinGen allele CA10591211.